The following is an entry in ClinVar:

ClinVar aggregate classification (germline): Uncertain significance (1 of 4 stars; one submission).

Conditions:
LRCH3-related disorder. Also called: LRCH3-related condition.

Allele frequency attached by ClinVar (database versions not stated): gnomAD exomes below 0.00001.
gnomAD v4.1: 2 of 1,534,548 alleles (0.00013%); highest among the groups gnomAD compares: Non-Finnish European, 0.00017%; no homozygotes.

Submission:

PreventionGenetics, part of Exact Sciences
Classification: Uncertain significance for LRCH3-related condition. Last evaluated: 2022-09-22. Review status: criteria provided, single submitter. Criteria: ACMG Guidelines, 2015. Collection method: clinical testing. Allele origin: germline.
Comment: The LRCH3 c.2144T>C variant is predicted to result in the amino acid substitution p.Met715Thr. To our knowledge, this variant has not been reported in the literature or in a large population database, indicating this variant is rare. At this time, the clinical significance of this variant is uncertain due to the absence of conclusive functional and genetic evidence.

NM_001365715.1(LRCH3):c.2144T>C (p.Met715Thr)

Gene: LRCH3 (leucine rich repeats and calponin homology domain containing 3; plus strand). Cytogenetic location: 3q29.
Variant type: single nucleotide variant.
Coding change: c.2144T>C on transcript NM_001365715.1 (MANE Select); coding-DNA position 2144, T replaced by C.
Protein change: p.Met715Thr; replaces methionine 715 with threonine.
Molecular consequence: missense variant. On other transcripts: non-coding transcript variant (1).
Genome position (GRCh38, 1-based): chr3:197,875,711, T>C. VCF-style: chr3-197875711-T-C. GRCh37 (hg19) VCF-style: chr3-197602582-T-C.
Other names: c.2144T>C, p.Met715Thr (NM_001363887.1); c.2036T>C, p.Met679Thr (NM_001365716.1, NM_001365718.1); c.2072T>C, p.Met691Thr (NM_001365717.1); short protein forms M679T, M691T, M715T.
Identifiers: ClinVar variation 2637026 (VCV002637026.1), dbSNP rs2530055344, ClinGen allele CA355907635.